The following is an entry in ClinVar:

ClinVar aggregate classification (germline): Uncertain significance. Review status: criteria provided, multiple submitters, no conflicts (2 of 4 stars). 4 submissions from 4 submitters: Uncertain significance (4). Last evaluated 2025-06-07.

Conditions:
Inborn genetic diseases. Identifiers: MedGen C0950123, MeSH D030342.
COG1 congenital disorder of glycosylation (CDG2G). Also called: CONGENITAL DISORDER OF GLYCOSYLATION, TYPE IIg; CDG IIg; CDGII/COG1 CEREBROCOSTOMANDIBULAR-LIKE SYNDROME. Identifiers: Orphanet 263508, MedGen C2931011, MONDO:0012637, OMIM 611209.

Allele frequency attached by ClinVar (database versions not stated): TOPMed 0.00008.
gnomAD v4.1: 87 of 1,614,048 alleles (0.0054%); highest among the groups gnomAD compares: Admixed American, 0.087%; 1 homozygote.

Submissions (4):

Ambry Genetics
Classification: Uncertain significance for Inborn genetic diseases. Last evaluated: 2025-06-07. Review status: criteria provided, single submitter. Criteria: Ambry Variant Classification Scheme 2023. Collection method: clinical testing. Allele origin: germline.

ARUP Laboratories, Molecular Genetics and Genomics, ARUP Laboratories
Classification: Uncertain significance for COG1 congenital disorder of glycosylation. Last evaluated: 2024-03-19. Review status: criteria provided, single submitter. Criteria: ARUP Molecular Germline Variant Investigation Process 2024. Collection method: clinical testing. Allele origin: germline.

Labcorp Genetics (formerly Invitae), Labcorp
Classification: Uncertain significance for COG1 congenital disorder of glycosylation. Last evaluated: 2023-12-07. Review status: criteria provided, single submitter. Criteria: Invitae Variant Classification Sherloc (09022015). Collection method: clinical testing. Allele origin: germline.
Comment: This sequence change replaces glutamic acid, which is acidic and polar, with glutamine, which is neutral and polar, at codon 210 of the COG1 protein (p.Glu210Gln). This variant is present in population databases (rs567533944, gnomAD 0.1%). This variant has not been reported in the literature in individuals affected with COG1-related conditions. ClinVar contains an entry for this variant (Variation ID: 500876). Advanced modeling of protein sequence and biophysical properties (such as structural, functional, and spatial information, amino acid conservation, physicochemical variation, residue mobility, and thermodynamic stability) has been performed at Invitae for this missense variant, however the output from this modeling did not meet the statistical confidence thresholds required to predict the impact of this variant on COG1 protein function. In summary, the available evidence is currently insufficient to determine the role of this variant in disease. Therefore, it has been classified as a Variant of Uncertain Significance.

Eurofins Ntd Llc (ga)
Classification: Uncertain significance. Last evaluated: 2017-03-27. Review status: criteria provided, single submitter. Criteria: EGL Classification Definitions 2015. Collection method: clinical testing. Allele origin: germline. Observed: 1 variant allele, 1 heterozygote.

NM_018714.3(COG1):c.628G>C (p.Glu210Gln)

Gene: COG1 (component of oligomeric golgi complex 1; plus strand). Cytogenetic location: 17q25.1.
Variant type: single nucleotide variant.
Coding change: c.628G>C on transcript NM_018714.3 (MANE Select); coding-DNA position 628, G replaced by C.
Protein change: p.Glu210Gln; replaces glutamic acid 210 with glutamine.
Molecular consequence: missense variant.
Genome position (GRCh38, 1-based): chr17:73,196,967, G>C. VCF-style: chr17-73196967-G-C. GRCh37 (hg19) VCF-style: chr17-71193106-G-C.
Other names: c.628G>C (NM_018714.2); short protein forms E210Q.
Identifiers: ClinVar variation 500876 (VCV000500876.10), dbSNP rs567533944, ClinGen allele CA8740031.